The following is an entry in ClinVar:

NM_020549.5(CHAT):c.92T>G (p.Val31Gly)

Gene: CHAT (choline O-acetyltransferase; plus strand). Cytogenetic location: 10q11.23.
Variant type: single nucleotide variant.
Coding change: c.92T>G on transcript NM_020549.5 (MANE Select); coding-DNA position 92, T replaced by G.
Protein change: p.Val31Gly; replaces valine 31 with glycine.
Molecular consequence: missense variant. On other transcripts: 5 prime UTR variant (3), intron variant (3).
Genome position (GRCh38, 1-based): chr10:49,614,281, T>G. VCF-style: chr10-49614281-T-G. GRCh37 (hg19) VCF-style: chr10-50822327-T-G.
Other names: c.-263T>G (NM_001142929.2); c.-225T>G (NM_001142933.2); c.-333T>G (NM_001142934.2); c.-68-2221T>G (NM_020984.4); c.-240-23T>G (NM_020985.4); c.-69+1079T>G (NM_020986.4); c.92T>G (NM_020549.4); short protein forms V31G.
Identifiers: ClinVar variation 1370502 (VCV001370502.6), dbSNP rs1016283273, ClinGen allele CA206622849.

ClinVar aggregate classification (germline): Uncertain significance. Review status: criteria provided, multiple submitters, no conflicts (2 of 4 stars). 2 submissions from 2 submitters: Uncertain significance (2). Last evaluated 2022-08-11.

Conditions:
Inborn genetic diseases. Identifiers: MedGen C0950123, MeSH D030342.
Familial infantile myasthenia (CMS6). Also called: Congenital myasthenic syndrome type 6; MYASTHENIC SYNDROME, PRESYNAPTIC, CONGENITAL, ASSOCIATED WITH EPISODIC APNEA; MYASTHENIC SYNDROME, CONGENITAL, 6, PRESYNAPTIC. Identifiers: Orphanet 590, MedGen C0393929, MONDO:0009689, OMIM 254210.

Allele frequency attached by ClinVar (database versions not stated): gnomAD exomes 0.00002.
gnomAD v4.1: 40 of 1,547,638 alleles (0.0026%); highest among the groups gnomAD compares: Middle Eastern, 0.065%; no homozygotes.

Submissions (2):

Ambry Genetics
Classification: Uncertain significance for Inborn genetic diseases. Last evaluated: 2022-08-11. Review status: criteria provided, single submitter. Criteria: Ambry Variant Classification Scheme 2023. Collection method: clinical testing. Allele origin: germline.

Labcorp Genetics (formerly Invitae), Labcorp
Classification: Uncertain significance for Familial infantile myasthenia. Last evaluated: 2021-09-24. Review status: criteria provided, single submitter. Criteria: Invitae Variant Classification Sherloc (09022015). Collection method: clinical testing. Allele origin: germline.
Comment: This sequence change replaces valine with glycine at codon 31 of the CHAT protein (p.Val31Gly). The valine residue is weakly conserved and there is a moderate physicochemical difference between valine and glycine. The frequency data for this variant in the population databases is considered unreliable, as metrics indicate insufficient coverage at this position in the ExAC database. This variant has not been reported in the literature in individuals with CHAT-related conditions. Advanced modeling of protein sequence and biophysical properties (such as structural, functional, and spatial information, amino acid conservation, physicochemical variation, residue mobility, and thermodynamic stability) performed at Invitae indicates that this missense variant is not expected to disrupt CHAT protein function. In summary, the available evidence is currently insufficient to determine the role of this variant in disease. Therefore, it has been classified as a Variant of Uncertain Significance.